The following is an entry in ClinVar:

NM_002834.5(PTPN11):c.385A>G (p.Lys129Glu)

Gene: PTPN11 (protein tyrosine phosphatase non-receptor type 11; plus strand). Cytogenetic location: 12q24.13.
Variant type: single nucleotide variant.
Coding change: c.385A>G on transcript NM_002834.5 (MANE Select); coding-DNA position 385, A replaced by G.
Protein change: p.Lys129Glu; replaces lysine 129 with glutamic acid.
Molecular consequence: missense variant.
Genome position (GRCh38, 1-based): chr12:112,453,247, A>G. VCF-style: chr12-112453247-A-G. GRCh37 (hg19) VCF-style: chr12-112891051-A-G.
Other names: c.385A>G, p.Lys129Glu (NM_001330437.2, NM_080601.3); c.382A>G, p.Lys128Glu (NM_001374625.1); short protein forms K129E, K128E.
Identifiers: ClinVar variation 4614773 (VCV004614773.2).

ClinVar aggregate classification (germline): Uncertain significance. Review status: criteria provided, multiple submitters, no conflicts (2 of 4 stars). 2 submissions from 2 submitters: Uncertain significance (2). Last evaluated 2026-03-27.

Conditions:
Cardiovascular phenotype. Identifiers: MedGen CN230736.

gnomAD v4.1: 2 of 1,613,134 alleles (0.00012%); highest among the groups gnomAD compares: Non-Finnish European, 0.00017%; no homozygotes.

Submissions (2):

GeneDx
Classification: Uncertain significance. Last evaluated: 2026-03-27. Review status: criteria provided, single submitter. Criteria: GeneDx Variant Classification Process June 2021. Collection method: clinical testing. Allele origin: germline.
Comment: Not observed at significant frequency in large population cohorts (gnomAD); Missense variants in this gene are a common cause of disease and they are underrepresented in the general population; In silico analysis supports that this missense variant has a deleterious effect on protein structure/function; Has not been previously published as pathogenic or benign to our knowledge; This variant is associated with the following publications: (PMID: 29493581)

Ambry Genetics
Classification: Uncertain significance for Cardiovascular phenotype. Last evaluated: 2025-10-30. Review status: criteria provided, single submitter. Criteria: Ambry Variant Classification Scheme 2023. Collection method: clinical testing. Allele origin: germline.
Comment: The p.K129E variant (also known as c.385A>G), located in coding exon 4 of the PTPN11 gene, results from an A to G substitution at nucleotide position 385. The lysine at codon 129 is replaced by glutamic acid, an amino acid with similar properties. This amino acid position is conserved. In addition, this alteration is predicted to be deleterious by in silico analysis. Based on the available evidence, the clinical significance of this variant remains unclear.